The following is an entry in ClinVar:

ClinVar aggregate classification (germline): Uncertain significance (1 of 4 stars; one submission).

Allele frequency attached by ClinVar (database versions not stated): gnomAD exomes 0.00001; gnomAD 0.00001; ExAC 0.00001.
gnomAD v4.1: 19 of 1,613,828 alleles (0.0012%); highest among the groups gnomAD compares: South Asian, 0.0077%; no homozygotes.

Submission:

Labcorp Genetics (formerly Invitae), Labcorp
Classification: Uncertain significance. Last evaluated: 2025-04-14. Review status: criteria provided, single submitter. Criteria: Invitae Variant Classification Sherloc (09022015). Collection method: clinical testing. Allele origin: germline.
Comment: This sequence change replaces arginine, which is basic and polar, with glutamine, which is neutral and polar, at codon 1350 of the ADAMTS9 protein (p.Arg1350Gln). This variant is present in population databases (rs754078484, gnomAD 0.003%). This variant has not been reported in the literature in individuals affected with ADAMTS9-related conditions. ClinVar contains an entry for this variant (Variation ID: 2777953). An algorithm developed to predict the effect of missense changes on protein structure and function (PolyPhen-2) suggests that this variant is likely to be disruptive. In summary, the available evidence is currently insufficient to determine the role of this variant in disease. Therefore, it has been classified as a Variant of Uncertain Significance.

NM_182920.2(ADAMTS9):c.4049G>A (p.Arg1350Gln)

Gene: ADAMTS9 (ADAM metallopeptidase with thrombospondin type 1 motif 9; minus strand). Cytogenetic location: 3p14.1.
Variant type: single nucleotide variant.
Coding change: c.4049G>A on transcript NM_182920.2 (MANE Select); coding-DNA position 4049, G replaced by A.
Protein change: p.Arg1350Gln; replaces arginine 1350 with glutamine.
Molecular consequence: missense variant.
Genome position (GRCh38, 1-based): chr3:64,596,960, C>T on the plus strand (G>A on the coding strand, the complement: ADAMTS9 is on the minus strand). VCF-style: chr3-64596960-C-T. GRCh37 (hg19) VCF-style: chr3-64582636-C-T.
Other names: c.3965G>A, p.Arg1322Gln (NM_001318781.2); short protein forms R1322Q, R1350Q.
Identifiers: ClinVar variation 2777953 (VCV002777953.3), dbSNP rs754078484, ClinGen allele CA2480640.